The following is an entry in ClinVar:

ClinVar aggregate classification (germline): Pathogenic (1 of 4 stars; one submission).

Conditions:
Glycine encephalopathy. Also called: Nonketotic hyperglycinemia; Non-ketotic hyperglycinemia. Identifiers: Orphanet 407, MedGen C0751748, MONDO:0011612, HP:0008288.

Submission:

Labcorp Genetics (formerly Invitae), Labcorp
Classification: Pathogenic for Glycine encephalopathy. Last evaluated: 2021-12-07. Review status: criteria provided, single submitter. Criteria: Invitae Variant Classification Sherloc (09022015). Collection method: clinical testing. Allele origin: germline.
Comment: This sequence change creates a premature translational stop signal (p.Ile770Lysfs*3) in the GLDC gene. It is expected to result in an absent or disrupted protein product. Loss-of-function variants in GLDC are known to be pathogenic (PMID: 16601880). This variant is not present in population databases (gnomAD no frequency). This variant has not been reported in the literature in individuals affected with GLDC-related conditions. For these reasons, this variant has been classified as Pathogenic.

Literature cited by the submitters: PubMed 16601880.

NM_000170.3(GLDC):c.2309_2310delinsA (p.Ile770fs)

Gene: GLDC (glycine decarboxylase; minus strand). Cytogenetic location: 9p24.1.
Variant type: Indel.
Coding change: c.2309_2310delinsA on transcript NM_000170.3 (MANE Select); coding-DNA positions 2309 to 2310, TC replaced by A.
Protein change: p.Ile770fs; shifts the reading frame from isoleucine 770.
Molecular consequence: frameshift variant.
Genome position (GRCh38, 1-based): chr9:6,554,674-6,554,675, GA replaced by T on the plus strand (TC replaced by A on the coding strand, the reverse complement: GLDC is on the minus strand). VCF-style: chr9-6554674-GA-T. GRCh37 (hg19) VCF-style: chr9-6554674-GA-T.
Other names: short protein forms I770fs.
Identifiers: ClinVar variation 4781116 (VCV004781116.1).